The following is an entry in ClinVar:

NM_020975.6(RET):c.1863G>C (p.Glu621Asp)

Gene: RET (ret proto-oncogene; plus strand). Cytogenetic location: 10q11.21.
Variant type: single nucleotide variant.
Coding change: c.1863G>C on transcript NM_020975.6 (MANE Select); coding-DNA position 1863, G replaced by C.
Protein change: p.Glu621Asp; replaces glutamic acid 621 with aspartic acid.
Molecular consequence: missense variant.
Genome position (GRCh38, 1-based): chr10:43,113,659, G>C. VCF-style: chr10-43113659-G-C. GRCh37 (hg19) VCF-style: chr10-43609107-G-C.
Other names: c.1863G>C, p.Glu621Asp (NM_000323.2, NM_001406743.1, NM_001406744.1 and 6 more transcripts); c.1101G>C, p.Glu367Asp (NM_001355216.2); c.1734G>C, p.Glu578Asp (NM_001406761.1, NM_001406762.1, NM_001406764.1 and 1 more transcripts); c.1575G>C, p.Glu525Asp (NM_001406766.1, NM_001406767.1, NM_001406770.1); c.1467G>C, p.Glu489Asp (NM_001406769.1, NM_001406772.1); c.1425G>C, p.Glu475Asp (NM_001406771.1, NM_001406773.1); c.1338G>C, p.Glu446Asp (NM_001406774.1); c.1137G>C, p.Glu379Asp (NM_001406775.1, NM_001406776.1, NM_001406777.1 and 1 more transcripts); and 5 more; short protein forms E621D, E367D, E279D, E379D, E578D, E446D, E475D, E489D.
Identifiers: ClinVar variation 486351 (VCV000486351.7), dbSNP rs766438951, ClinGen allele CA376552830.

ClinVar aggregate classification (germline): Uncertain significance (1 of 4 stars; one submission).

Conditions:
Hereditary cancer-predisposing syndrome. Also called: Tumor predisposition; Hereditary Cancer Syndrome; Hereditary neoplastic syndrome; Neoplastic Syndromes, Hereditary. Identifiers: Orphanet 140162, MedGen C0027672, MeSH D009386, MONDO:0015356.

Submission:

Ambry Genetics
Classification: Uncertain significance for Hereditary cancer-predisposing syndrome. Last evaluated: 2017-01-16. Review status: criteria provided, single submitter. Criteria: Ambry Variant Classification Scheme 2023. Collection method: clinical testing. Allele origin: germline.
Comment: The p.E621D variant (also known as c.1863G>C), located in coding exon 10 of the RET gene, results from a G to C substitution at nucleotide position 1863. The glutamic acid at codon 621 is replaced by aspartic acid, an amino acid with highly similar properties. This amino acid position is highly conserved in available vertebrate species. In addition, this alteration is predicted to be deleterious by in silico analysis. Since supporting evidence is limited at this time, the clinical significance of this alteration remains unclear.